The following is an entry in ClinVar:

ClinVar aggregate classification (germline): Uncertain significance (1 of 4 stars; one submission).

Conditions:
Hereditary spastic paraplegia 4. Also called: Spastic paraplegia 4, autosomal dominant; Spastic Paraplegia 4; Familial spastic paraplegia autosomal dominant 2. Identifiers: Orphanet 100985, MedGen C1866855, MONDO:0008438, OMIM 182601.

gnomAD v4.1: 3 of 1,601,636 alleles (0.00019%); highest among the groups gnomAD compares: Non-Finnish European, 0.00017%; no homozygotes.

Submission:

Labcorp Genetics (formerly Invitae), Labcorp
Classification: Uncertain significance for Hereditary spastic paraplegia 4. Last evaluated: 2025-10-01. Review status: criteria provided, single submitter. Criteria: Invitae Variant Classification Sherloc (09022015). Collection method: clinical testing. Allele origin: germline.
Comment: This sequence change replaces alanine, which is neutral and non-polar, with valine, which is neutral and non-polar, at codon 574 of the SPAST protein (p.Ala574Val). This variant is present in population databases (rs756374600, gnomAD 0.0009%). This variant has not been reported in the literature in individuals affected with SPAST-related conditions. Invitae Evidence Modeling of protein sequence and biophysical properties (such as structural, functional, and spatial information, amino acid conservation, physicochemical variation, residue mobility, and thermodynamic stability) indicates that this missense variant is not expected to disrupt SPAST protein function with a negative predictive value of 80%. In summary, the available evidence is currently insufficient to determine the role of this variant in disease. Therefore, it has been classified as a Variant of Uncertain Significance.

NM_014946.4(SPAST):c.1721C>T (p.Ala574Val)

Gene: SPAST (spastin; plus strand). Cytogenetic location: 2p22.3.
Variant type: single nucleotide variant.
Coding change: c.1721C>T on transcript NM_014946.4 (MANE Select); coding-DNA position 1721, C replaced by T.
Protein change: p.Ala574Val; replaces alanine 574 with valine.
Molecular consequence: missense variant. On other transcripts: synonymous variant (1).
Genome position (GRCh38, 1-based): chr2:32,147,251, C>T. VCF-style: chr2-32147251-C-T. GRCh37 (hg19) VCF-style: chr2-32372320-C-T.
Other names: c.1718C>T, p.Ala573Val (NM_001363823.2); c.1622C>T, p.Ala541Val (NM_001363875.2); c.1554C>T, p.Cys518= (NM_001377959.1); c.1625C>T, p.Ala542Val (NM_199436.2); short protein forms A573V, A542V, A541V, A574V.
Identifiers: ClinVar variation 4741499 (VCV004741499.1).